The following is an entry in ClinVar:

ClinVar aggregate classification (germline): Uncertain significance (1 of 4 stars; one submission).

gnomAD v4.1: 8 of 1,612,132 alleles (0.0005%); highest among the groups gnomAD compares: South Asian, 0.0033%; no homozygotes.

Submission:

Labcorp Genetics (formerly Invitae), Labcorp
Classification: Uncertain significance. Last evaluated: 2024-06-26. Review status: criteria provided, single submitter. Criteria: Invitae Variant Classification Sherloc (09022015). Collection method: clinical testing. Allele origin: germline.
Comment: This sequence change replaces arginine, which is basic and polar, with cysteine, which is neutral and slightly polar, at codon 427 of the REPS1 protein (p.Arg427Cys). The frequency data for this variant in the population databases is considered unreliable, as metrics indicate poor data quality at this position in the gnomAD database. This variant has not been reported in the literature in individuals affected with REPS1-related conditions. Advanced modeling of protein sequence and biophysical properties (such as structural, functional, and spatial information, amino acid conservation, physicochemical variation, residue mobility, and thermodynamic stability) has been performed at Invitae for this missense variant, however the output from this modeling did not meet the statistical confidence thresholds required to predict the impact of this variant on REPS1 protein function. In summary, the available evidence is currently insufficient to determine the role of this variant in disease. Therefore, it has been classified as a Variant of Uncertain Significance.

NM_001286611.2(REPS1):c.1279C>T (p.Arg427Cys)

Gene: REPS1 (RALBP1 associated Eps domain containing 1; minus strand). Cytogenetic location: 6q24.1.
Variant type: single nucleotide variant.
Coding change: c.1279C>T on transcript NM_001286611.2 (MANE Select); coding-DNA position 1279, C replaced by T.
Protein change: p.Arg427Cys; replaces arginine 427 with cysteine.
Molecular consequence: missense variant. On other transcripts: intron variant (2).
Genome position (GRCh38, 1-based): chr6:138,926,460, G>A on the plus strand (C>T on the coding strand, the complement: REPS1 is on the minus strand). VCF-style: chr6-138926460-G-A. GRCh37 (hg19) VCF-style: chr6-139247597-G-A.
Other names: c.1279C>T, p.Arg427Cys (NM_031922.5); c.1257+3517C>T (NM_001286612.2, NM_001128617.3); short protein forms R427C.
Identifiers: ClinVar variation 3673886 (VCV003673886.2).